The following is an entry in ClinVar:

ClinVar aggregate classification (germline): Likely pathogenic. Review status: criteria provided, multiple submitters, no conflicts (2 of 4 stars). 2 submissions from 2 submitters: Likely pathogenic (2). Last evaluated 2026-04-02.

Conditions:
Skeletal dysplasia, mild, with joint laxity and advanced bone age. Identifiers: MedGen C5394341, MONDO:0030029, OMIM 618870.
CSGALNACT1-related disorder. Also called: CSGALNACT1-related condition.

Submissions (2):

Dasa
Classification: Likely pathogenic for Skeletal dysplasia, mild, with joint laxity and advanced bone age. Last evaluated: 2026-04-02. Review status: criteria provided, single submitter. Criteria: DASA Assertion Criteria. Collection method: clinical testing. Allele origin: germline.
Comment: NM_001354483.2(CSGALNACT1):c.727C>T (p.Arg243*) is a nonsense variant in CSGALNACT1 predicted to introduce a premature termination codon and is predicted to result in an absent or altered protein product. Loss of function is an established disease mechanism for CSGALNACT1-associated disorders. Also, this variant is rare in population databases. Based on the currently available evidence, this variant is classified as likely pathogenic.

PreventionGenetics, part of Exact Sciences
Classification: Likely pathogenic for CSGALNACT1-related condition. Last evaluated: 2025-11-18. Review status: criteria provided, single submitter. Criteria: ACMG Guidelines, 2015. Collection method: clinical testing. Allele origin: germline.
Comment: The CSGALNACT1 c.727C>T variant is predicted to result in premature protein termination (p.Arg243*). To our knowledge, this variant has not been reported in the literature. This variant is reported in 0.0046% of alleles in individuals of European (Finnish) descent in gnomAD. Nonsense variants in CSGALNACT1 are expected to be pathogenic. This variant is interpreted as likely pathogenic.

NM_001354483.2(CSGALNACT1):c.727C>T (p.Arg243Ter)

Gene: CSGALNACT1 (chondroitin sulfate N-acetylgalactosaminyltransferase 1; minus strand). Cytogenetic location: 8p21.3.
Variant type: single nucleotide variant.
Coding change: c.727C>T on transcript NM_001354483.2 (MANE Select); coding-DNA position 727, C replaced by T.
Protein change: p.Arg243Ter; replaces arginine 243 with a stop codon.
Molecular consequence: nonsense. On other transcripts: non-coding transcript variant (7).
Genome position (GRCh38, 1-based): chr8:19,458,550, G>A on the plus strand (C>T on the coding strand, the complement: CSGALNACT1 is on the minus strand). VCF-style: chr8-19458550-G-A. GRCh37 (hg19) VCF-style: chr8-19316061-G-A.
Other names: c.727C>T (NM_001130518.1); c.727C>T, p.Arg243Ter (NM_001354475.2, NM_001354476.2, NM_001354477.2 and 18 more transcripts); short protein forms R243*.
Identifiers: ClinVar variation 4881469 (VCV004881469.3).